The following is an entry in ClinVar:

NM_014804.3(KIAA0753):c.661C>T (p.Arg221Ter)

Gene: KIAA0753 (KIAA0753; minus strand). Cytogenetic location: 17p13.1.
Variant type: single nucleotide variant.
Coding change: c.661C>T on transcript NM_014804.3 (MANE Select); coding-DNA position 661, C replaced by T.
Protein change: p.Arg221Ter; replaces arginine 221 with a stop codon.
Molecular consequence: nonsense. On other transcripts: 5 prime UTR variant (1), non-coding transcript variant (3).
Genome position (GRCh38, 1-based): chr17:6,628,174, G>A on the plus strand (C>T on the coding strand, the complement: KIAA0753 is on the minus strand). VCF-style: chr17-6628174-G-A. GRCh37 (hg19) VCF-style: chr17-6531494-G-A.
Other names: c.-574C>T (NM_001351225.2); short protein forms R221*.
Identifiers: ClinVar variation 808212 (VCV000808212.48), dbSNP rs774799042, ClinGen allele CA8330732.

ClinVar aggregate classification (germline): Pathogenic/Likely pathogenic. Review status: criteria provided, multiple submitters, no conflicts (2 of 4 stars). 4 submissions from 4 submitters: Pathogenic (1); Likely pathogenic (3). Last evaluated 2025-02-17.

Conditions:
KIAA0753-related disorder.
Short-rib thoracic dysplasia 21 without polydactyly. Identifiers: MedGen C5561961, MONDO:0030356, OMIM 619479.
Orofaciodigital syndrome XV (OFD15). Also called: OFDS XV; ORAL-FACIAL-DIGITAL SYNDROME, TYPE XV. Identifiers: MedGen C4310701, MONDO:0014932, OMIM 617127.

Allele frequency attached by ClinVar (database versions not stated): ExAC 0.00001; gnomAD 0.00001; gnomAD exomes 0.00001 and 0.00002; TOPMed 0.00001.
gnomAD v4.1: 21 of 1,613,938 alleles (0.0013%); highest among the groups gnomAD compares: Admixed American, 0.005%; no homozygotes.

Submissions (4):

Labcorp Genetics (formerly Invitae), Labcorp
Classification: Pathogenic. Last evaluated: 2025-02-17. Review status: criteria provided, single submitter. Criteria: Invitae Variant Classification Sherloc (09022015). Collection method: clinical testing. Allele origin: germline.
Comment: This sequence change creates a premature translational stop signal (p.Arg221*) in the KIAA0753 gene. It is expected to result in an absent or disrupted protein product. Loss-of-function variants in KIAA0753 are known to be pathogenic (PMID: 29138412). This variant is present in population databases (rs774799042, gnomAD 0.01%). This variant has not been reported in the literature in individuals affected with KIAA0753-related conditions. ClinVar contains an entry for this variant (Variation ID: 808212). Algorithms developed to predict the effect of sequence changes on RNA splicing suggest that this variant may disrupt the consensus splice site. For these reasons, this variant has been classified as Pathogenic.

Blueprint Genetics
Classification: Likely pathogenic for KIAA0753-related disorders. Last evaluated: 2024-07-26. Review status: criteria provided, single submitter. Criteria: ACMG Guidelines, 2015. Collection method: clinical testing. Allele origin: germline. Affected: yes. Observed: 2 variant alleles.

Department of Pathology and Laboratory Medicine, Sinai Health System
Classification: Likely pathogenic for Short-rib thoracic dysplasia 21 without polydactyly; Orofaciodigital syndrome XV. Last evaluated: 2023-09-21. Review status: criteria provided, single submitter. Criteria: ACMG Guidelines, 2015. Collection method: research. Allele origin: germline.

CeGaT Center for Human Genetics Tuebingen
Classification: Likely pathogenic. Last evaluated: 2020-11-01. Review status: criteria provided, single submitter. Criteria: CeGaT Center For Human Genetics Tuebingen Variant Classification Criteria Version 2. Collection method: clinical testing. Allele origin: germline. Affected: yes. Observed: 1 variant allele.

Literature cited by the submitters: PubMed 29138412 (cited by Labcorp Genetics (formerly Invitae), Labcorp).